The following is an entry in ClinVar:

ClinVar aggregate classification (germline): Uncertain significance (1 of 4 stars; one submission).

Allele frequency attached by ClinVar (database versions not stated): ExAC 0.00001; gnomAD exomes 0.00001; TOPMed 0.00002.
gnomAD v4.1: 9 of 1,611,782 alleles (0.00056%); highest among the groups gnomAD compares: Non-Finnish European, 0.00017%; no homozygotes.

Submission:

GeneDx
Classification: Uncertain significance. Last evaluated: 2022-06-03. Review status: criteria provided, single submitter. Criteria: GeneDx Variant Classification Process June 2021. Collection method: clinical testing. Allele origin: germline. Affected: yes.
Comment: In silico analysis supports that this missense variant does not alter protein structure/function; Has not been previously published as pathogenic or benign to our knowledge

NM_001009944.3(PKD1):c.4295C>T (p.Thr1432Met)

Gene: PKD1 (polycystin 1, transient receptor potential channel interacting; minus strand). Cytogenetic location: 16p13.3.
Variant type: single nucleotide variant.
Coding change: c.4295C>T on transcript NM_001009944.3 (MANE Select); coding-DNA position 4295, C replaced by T.
Protein change: p.Thr1432Met; replaces threonine 1432 with methionine.
Molecular consequence: missense variant.
Genome position (GRCh38, 1-based): chr16:2,110,872, G>A on the plus strand (C>T on the coding strand, the complement: PKD1 is on the minus strand). VCF-style: chr16-2110872-G-A. GRCh37 (hg19) VCF-style: chr16-2160873-G-A.
Other names: c.4295C>T, p.Thr1432Met (NM_000296.4); short protein forms T1432M.
Identifiers: ClinVar variation 1802110 (VCV001802110.1), dbSNP rs754666072, ClinGen allele CA7832419.